The following is an entry in ClinVar:

NM_001848.3(COL6A1):c.1822+185C>T

Gene: COL6A1 (collagen type VI alpha 1 chain; plus strand). Cytogenetic location: 21q22.3.
Variant type: single nucleotide variant.
Coding change: c.1822+185C>T on transcript NM_001848.3 (MANE Select); 185 bases into the intron after coding-DNA position 1822, C replaced by T.
Molecular consequence: intron variant.
Genome position (GRCh38, 1-based): chr21:46,000,952, C>T. VCF-style: chr21-46000952-C-T. GRCh37 (hg19) VCF-style: chr21-47420866-C-T.
Identifiers: ClinVar variation 679192 (VCV000679192.2), dbSNP rs7276374, ClinGen allele CA14888042.

ClinVar aggregate classification (germline): Benign. Review status: criteria provided, multiple submitters, no conflicts (2 of 4 stars). 2 submissions from 2 submitters: Benign (2). Last evaluated 2018-06-14.

Allele frequency attached by ClinVar (database versions not stated): gnomAD exomes 0.85290; 1000 Genomes Project 0.86581; 1000 Genomes Project 30x 0.86914; gnomAD 0.87421 and 0.87696; TOPMed 0.87732.
gnomAD v4.1: 680,276 of 794,106 alleles (86%); highest among the groups gnomAD compares: Admixed American, 92%; 292,112 homozygotes.

Submissions (2):

GeneDx
Classification: Benign. Last evaluated: 2018-06-14. Review status: criteria provided, single submitter. Criteria: GeneDx Variant Classification (06012015). Collection method: clinical testing. Allele origin: germline. Affected: yes.
Comment: This variant is considered likely benign or benign based on one or more of the following criteria: it is a conservative change, it occurs at a poorly conserved position in the protein, it is predicted to be benign by multiple in silico algorithms, and/or has population frequency not consistent with disease.

Breakthrough Genomics
Classification: Benign. Review status: criteria provided, single submitter. Criteria: ACMG Guidelines, 2015. Collection method: not provided. Allele origin: germline. Inheritance: Autosomal recessive inheritance. Affected: yes.